The following is an entry in ClinVar:

ClinVar aggregate classification (germline): Uncertain significance (1 of 4 stars; one submission).

Conditions:
Progressive sclerosing poliodystrophy (MTDPS4A). Also called: ALPERS PROGRESSIVE INFANTILE POLIODYSTROPHY; NEURONAL DEGENERATION OF CHILDHOOD WITH LIVER DISEASE, PROGRESSIVE; Alpers Syndrome; ALPERS DIFFUSE DEGENERATION OF CEREBRAL GRAY MATTER WITH HEPATIC CIRRHOSIS; Alpers-Huttenlocher Syndrome; Mitochondrial DNA depletion syndrome 4A (Alpers type). Identifiers: Orphanet 726, MedGen C0205710, MONDO:0008758, OMIM 203700.

Submission:

Labcorp Genetics (formerly Invitae), Labcorp
Classification: Uncertain significance for Progressive sclerosing poliodystrophy. Last evaluated: 2024-09-30. Review status: criteria provided, single submitter. Criteria: Invitae Variant Classification Sherloc (09022015). Collection method: clinical testing. Allele origin: germline.
Comment: This sequence change replaces arginine, which is basic and polar, with proline, which is neutral and non-polar, at codon 1071 of the POLG protein (p.Arg1071Pro). This variant is not present in population databases (gnomAD no frequency). This variant has not been reported in the literature in individuals affected with POLG-related conditions. Invitae Evidence Modeling of protein sequence and biophysical properties (such as structural, functional, and spatial information, amino acid conservation, physicochemical variation, residue mobility, and thermodynamic stability) has been performed for this missense variant. However, the output from this modeling did not meet the statistical confidence thresholds required to predict the impact of this variant on POLG protein function. In summary, the available evidence is currently insufficient to determine the role of this variant in disease. Therefore, it has been classified as a Variant of Uncertain Significance.

NM_002693.3(POLG):c.3212G>C (p.Arg1071Pro)

Gene: POLG (DNA polymerase gamma, catalytic subunit; minus strand). Cytogenetic location: 15q26.1.
Variant type: single nucleotide variant.
Coding change: c.3212G>C on transcript NM_002693.3 (MANE Select); coding-DNA position 3212, G replaced by C.
Protein change: p.Arg1071Pro; replaces arginine 1071 with proline.
Molecular consequence: missense variant.
Genome position (GRCh38, 1-based): chr15:89,318,992, C>G on the plus strand (G>C on the coding strand, the complement: POLG is on the minus strand). VCF-style: chr15-89318992-C-G. GRCh37 (hg19) VCF-style: chr15-89862223-C-G.
Other names: c.3212G>C, p.Arg1071Pro (NM_001126131.2); short protein forms R1071P.
Identifiers: ClinVar variation 3636632 (VCV003636632.2).